The following is an entry in ClinVar:

ClinVar aggregate classification (germline): Uncertain significance (1 of 4 stars; one submission).

Conditions:
Familial cancer of breast. Also called: hereditary breast carcinoma; Hereditary breast cancer; BREAST CANCER, FAMILIAL. Identifiers: Orphanet 227535, MedGen C0346153, MONDO:0016419, OMIM 114480. Disease mechanism: loss of function.

Allele frequency attached by ClinVar (database versions not stated): gnomAD exomes below 0.00001.
gnomAD v4.1: 1 of 1,614,136 alleles (0.000062%); highest among the groups gnomAD compares: Non-Finnish European, 0.000085%; no homozygotes.

Submission:

Labcorp Genetics (formerly Invitae), Labcorp
Classification: Uncertain significance for Familial cancer of breast. Last evaluated: 2019-12-11. Review status: criteria provided, single submitter. Criteria: Invitae Variant Classification Sherloc (09022015). Collection method: clinical testing. Allele origin: germline.
Comment: In summary, the available evidence is currently insufficient to determine the role of this variant in disease. Therefore, it has been classified as a Variant of Uncertain Significance. Algorithms developed to predict the effect of missense changes on protein structure and function output the following: SIFT: "Tolerated"; PolyPhen-2: "Benign"; Align-GVGD: "Class C0". The proline amino acid residue is found in multiple mammalian species, suggesting that this missense change does not adversely affect protein function. These predictions have not been confirmed by published functional studies and their clinical significance is uncertain. This variant has not been reported in the literature in individuals with PALB2-related conditions. This variant is not present in population databases (ExAC no frequency). This sequence change replaces serine with proline at codon 172 of the PALB2 protein (p.Ser172Pro). The serine residue is weakly conserved and there is a moderate physicochemical difference between serine and proline.

NM_024675.4(PALB2):c.514T>C (p.Ser172Pro)

Gene: PALB2 (partner and localizer of BRCA2; minus strand). Cytogenetic location: 16p12.2.
Variant type: single nucleotide variant.
Coding change: c.514T>C on transcript NM_024675.4 (MANE Select); coding-DNA position 514, T replaced by C.
Protein change: p.Ser172Pro; replaces serine 172 with proline.
Molecular consequence: missense variant.
Genome position (GRCh38, 1-based): chr16:23,636,032, A>G on the plus strand (T>C on the coding strand, the complement: PALB2 is on the minus strand). VCF-style: chr16-23636032-A-G. GRCh37 (hg19) VCF-style: chr16-23647353-A-G.
Other names: short protein forms S172P.
Identifiers: ClinVar variation 861582 (VCV000861582.12), dbSNP rs1967041594, ClinGen allele CA395137006.
Genomic context (GRCh38, chr16:23,636,032, plus strand): 5'-CTGGTGATCTAGCAGGATTTTTGCTACTGATTTCTTCCTGTTCCTTTAGTCTTTTCCCAG[A>G]CAATCTGAGTGAATCAGTGCCAAAGACACAGTCTCTCTCCTGTGAAATAAATGTCCTCTT-3'
Protein context (NP_078951.2, residues 162-182): CVFGTDSLRL[Ser172Pro]GKRLKEQEEI